The following is an entry in ClinVar:

NM_000465.4(BARD1):c.1903+4A>T

Gene: BARD1 (BRCA1 associated RING domain 1; minus strand). Cytogenetic location: 2q35.
Variant type: single nucleotide variant.
Coding change: c.1903+4A>T on transcript NM_000465.4 (MANE Select); 4 bases into the intron after coding-DNA position 1903, A replaced by T.
Molecular consequence: intron variant.
Genome position (GRCh38, 1-based): chr2:214,745,063, T>A on the plus strand (A>T on the coding strand, the complement: BARD1 is on the minus strand). VCF-style: chr2-214745063-T-A. GRCh37 (hg19) VCF-style: chr2-215609787-T-A.
Other names: c.1903+4A>T (LRG_297t1); c.493+4A>T (NM_001282548.2); c.1846+4A>T (NM_001282543.2); c.550+4A>T (NM_001282545.2); c.365-14555A>T (NM_001282549.2).
Identifiers: ClinVar variation 482829 (VCV000482829.10), dbSNP rs1553614936, ClinGen allele CA658657220.

ClinVar aggregate classification (germline): Uncertain significance. Review status: criteria provided, multiple submitters, no conflicts (2 of 4 stars). 2 submissions from 2 submitters: Uncertain significance (2). Last evaluated 2025-09-26.

Conditions:
Familial cancer of breast. Also called: BREAST CANCER, FAMILIAL; Hereditary breast cancer; hereditary breast carcinoma. Identifiers: Orphanet 227535, MedGen C0346153, MONDO:0016419, OMIM 114480. Disease mechanism: loss of function.
Hereditary cancer-predisposing syndrome. Also called: Neoplastic Syndromes, Hereditary; Tumor predisposition; Hereditary Cancer Syndrome; Hereditary neoplastic syndrome. Identifiers: Orphanet 140162, MedGen C0027672, MeSH D009386, MONDO:0015356.

Submissions (2):

Ambry Genetics
Classification: Uncertain significance for Hereditary cancer-predisposing syndrome. Last evaluated: 2025-09-26. Review status: criteria provided, single submitter. Criteria: Ambry Variant Classification Scheme 2023. Collection method: clinical testing. Allele origin: germline.
Comment: The c.1903+4A>T intronic variant results from an A to T substitution 4 nucleotides after coding exon 9 in the BARD1 gene. This nucleotide position is highly conserved in available vertebrate species. In silico splice site analysis predicts that this alteration will weaken the native splice donor site; however, direct evidence is insufficient at this time (Ambry internal data). Based on the available evidence, the clinical significance of this variant remains unclear.

Labcorp Genetics (formerly Invitae), Labcorp
Classification: Uncertain significance for Familial cancer of breast. Last evaluated: 2023-07-20. Review status: criteria provided, single submitter. Criteria: Invitae Variant Classification Sherloc (09022015). Collection method: clinical testing. Allele origin: germline.
Comment: This sequence change falls in intron 9 of the BARD1 gene. It does not directly change the encoded amino acid sequence of the BARD1 protein. It affects a nucleotide within the consensus splice site. This variant is not present in population databases (gnomAD no frequency). This variant has not been reported in the literature in individuals affected with BARD1-related conditions. ClinVar contains an entry for this variant (Variation ID: 482829). Variants that disrupt the consensus splice site are a relatively common cause of aberrant splicing (PMID: 17576681, 9536098). Algorithms developed to predict the effect of sequence changes on RNA splicing suggest that this variant may disrupt the consensus splice site. In summary, the available evidence is currently insufficient to determine the role of this variant in disease. Therefore, it has been classified as a Variant of Uncertain Significance.

Literature cited by the submitters: PubMed 17576681 (cited by Labcorp Genetics (formerly Invitae), Labcorp); PubMed 9536098 (cited by Labcorp Genetics (formerly Invitae), Labcorp).